The following is an entry in ClinVar:

NM_022041.4(GAN):c.1745G>A (p.Arg582His)

Gene: GAN (gigaxonin; plus strand). Cytogenetic location: 16q23.2.
Variant type: single nucleotide variant.
Coding change: c.1745G>A on transcript NM_022041.4 (MANE Select); coding-DNA position 1745, G replaced by A.
Protein change: p.Arg582His; replaces arginine 582 with histidine.
Molecular consequence: missense variant.
Genome position (GRCh38, 1-based): chr16:81,377,547, G>A. VCF-style: chr16-81377547-G-A. GRCh37 (hg19) VCF-style: chr16-81411152-G-A.
Other names: c.1106G>A, p.Arg369His (NM_001377486.1); short protein forms R582H, R369H.
Identifiers: ClinVar variation 837182 (VCV000837182.9), dbSNP rs773845697, ClinGen allele CA8191875.
Genomic context (GRCh38, chr16:81,377,547, plus strand): 5'-CATCCGACCTTCGCCGTACAGGATGTGCAGCCTTACGCATTGCGAATTGCAAGCTTTTCC[G>A]CCTGCAGCTTCAGCAAGGCTTATTCCGTATTCGTGTTCATTCCCCTTGAGGAGGAAGCAG-3'
Protein context (NP_071324.1, residues 572-592): ALRIANCKLF[Arg582His]LQLQQGLFRI

ClinVar aggregate classification (germline): Uncertain significance (1 of 4 stars; one submission).

Conditions:
Giant axonal neuropathy 1 (GAN1). Also called: GAN-Related Neurodegeneration; GIANT AXONAL NEUROPATHY 1, AUTOSOMAL RECESSIVE. Identifiers: Orphanet 643, MedGen C1850386, MONDO:0009749, OMIM 256850.

gnomAD v4.1: 12 of 1,614,164 alleles (0.00074%); highest among the groups gnomAD compares: South Asian, 0.0033%; no homozygotes.

Submission:

Labcorp Genetics (formerly Invitae), Labcorp
Classification: Uncertain significance for Giant axonal neuropathy 1. Last evaluated: 2019-04-30. Review status: criteria provided, single submitter. Criteria: Invitae Variant Classification Sherloc (09022015). Collection method: clinical testing. Allele origin: germline.
Comment: This variant is present in population databases (rs773845697, ExAC 0.01%). In summary, the available evidence is currently insufficient to determine the role of this variant in disease. Therefore, it has been classified as a Variant of Uncertain Significance. Algorithms developed to predict the effect of missense changes on protein structure and function (SIFT, PolyPhen-2, Align-GVGD) all suggest that this variant is likely to be tolerated, but these predictions have not been confirmed by published functional studies and their clinical significance is uncertain. This variant has not been reported in the literature in individuals with GAN-related conditions. This sequence change replaces arginine with histidine at codon 582 of the GAN protein (p.Arg582His). The arginine residue is moderately conserved and there is a small physicochemical difference between arginine and histidine.